The following is an entry in ClinVar:

NM_000271.5(NPC1):c.463+2T>G

Gene: NPC1 (NPC intracellular cholesterol transporter 1; minus strand). Cytogenetic location: 18q11.2.
Variant type: single nucleotide variant.
Coding change: c.463+2T>G on transcript NM_000271.5 (MANE Select); the canonical splice donor site of the intron after coding-DNA position 463, T replaced by G.
Molecular consequence: splice donor variant.
Genome position (GRCh38, 1-based): chr18:23,568,821, A>C on the plus strand (T>G on the coding strand, the complement: NPC1 is on the minus strand). VCF-style: chr18-23568821-A-C. GRCh37 (hg19) VCF-style: chr18-21148785-A-C.
Identifiers: ClinVar variation 1067827 (VCV001067827.7), dbSNP rs2145526252, ClinGen allele CA401784638.

ClinVar aggregate classification (germline): Likely pathogenic (1 of 4 stars; one submission).

Conditions:
Niemann-Pick disease, type C1. Also called: NEUROVISCERAL STORAGE DISEASE WITH VERTICAL SUPRANUCLEAR OPHTHALMOPLEGIA; NIEMANN-PICK DISEASE WITH CHOLESTEROL ESTERIFICATION BLOCK; NIEMANN-PICK DISEASE WITHOUT SPHINGOMYELINASE DEFICIENCY; NIEMANN-PICK DISEASE, CHRONIC NEURONOPATHIC FORM; NIEMANN-PICK DISEASE, VARIANT TYPE C1. Identifiers: Orphanet 646, MedGen C3179455, MONDO:0009757, OMIM 257220.

Submission:

Labcorp Genetics (formerly Invitae), Labcorp
Classification: Likely pathogenic for Niemann-Pick disease, type C1. Last evaluated: 2020-09-02. Review status: criteria provided, single submitter. Criteria: Invitae Variant Classification Sherloc (09022015). Collection method: clinical testing. Allele origin: germline.
Comment: This sequence change affects a donor splice site in intron 4 of the NPC1 gene. It is expected to disrupt RNA splicing and likely results in an absent or disrupted protein product. This variant is not present in population databases (ExAC no frequency). This variant has not been reported in the literature in individuals with NPC1-related conditions. Algorithms developed to predict the effect of sequence changes on RNA splicing suggest that this variant may disrupt the consensus splice site, but this prediction has not been confirmed by published transcriptional studies. Donor and acceptor splice site variants typically lead to a loss of protein function (PMID: 16199547), and loss-of-function variants in NPC1 are known to be pathogenic (PMID: 9211850). In summary, the currently available evidence indicates that the variant is pathogenic, but additional data are needed to prove that conclusively. Therefore, this variant has been classified as Likely Pathogenic.

Literature cited by the submitters: PubMed 16199547; PubMed 9211850.